The following is an entry in ClinVar:

NM_007289.4(MME):c.2076+3A>G

Gene: MME (membrane metalloendopeptidase; plus strand). Cytogenetic location: 3q25.2.
Variant type: single nucleotide variant.
Coding change: c.2076+3A>G on transcript NM_007289.4 (MANE Select); 3 bases into the intron after coding-DNA position 2076, A replaced by G.
Molecular consequence: intron variant.
Genome position (GRCh38, 1-based): chr3:155,172,215, A>G. VCF-style: chr3-155172215-A-G. GRCh37 (hg19) VCF-style: chr3-154890004-A-G.
Other names: c.2076+3A>G (NM_001354642.2, NM_000902.5, NM_007287.4 and 2 more transcripts).
Identifiers: ClinVar variation 1464730 (VCV001464730.6), dbSNP rs1339057934, ClinGen allele CA547310447.

ClinVar aggregate classification (germline): Uncertain significance (1 of 4 stars; one submission).

Allele frequency attached by ClinVar (database versions not stated): gnomAD exomes below 0.00001.
gnomAD v4.1: 4 of 1,582,982 alleles (0.00025%); highest among the groups gnomAD compares: Non-Finnish European, 0.00026%; no homozygotes.

Submission:

Labcorp Genetics (formerly Invitae), Labcorp
Classification: Uncertain significance. Last evaluated: 2022-09-06. Review status: criteria provided, single submitter. Criteria: Invitae Variant Classification Sherloc (09022015). Collection method: clinical testing. Allele origin: germline.
Comment: In summary, the available evidence is currently insufficient to determine the role of this variant in disease. Therefore, it has been classified as a Variant of Uncertain Significance. Variants that disrupt the consensus splice site are a relatively common cause of aberrant splicing (PMID: 17576681, 9536098). Algorithms developed to predict the effect of sequence changes on RNA splicing suggest that this variant may disrupt the consensus splice site. ClinVar contains an entry for this variant (Variation ID: 1464730). This variant has been observed in individual(s) with clinical features of Charcot-Marie-Tooth disease (Invitae). It has also been observed to segregate with disease in related individuals. This variant is present in population databases (no rsID available, gnomAD no frequency). This sequence change falls in intron 21 of the MME gene. It does not directly change the encoded amino acid sequence of the MME protein. It affects a nucleotide within the consensus splice site.

Literature cited by the submitters: PubMed 17576681; PubMed 9536098.